The following is an entry in ClinVar:

ClinVar aggregate classification (germline): Conflicting classifications of pathogenicity. Review status: criteria provided, conflicting classifications (1 of 4 stars). 2 submissions from 2 submitters: Uncertain significance (1); Benign (1). Last evaluated 2026-06-01.

Submissions (2):

CeGaT Center for Human Genetics Tuebingen
Classification: Benign. Last evaluated: 2026-06-01. Review status: criteria provided, single submitter. Criteria: CeGaT Center For Human Genetics Tuebingen Variant Classification Criteria Version 2. Collection method: clinical testing. Allele origin: germline. Affected: yes. Observed: 3 variant alleles.
Comment: ZSWIM6: BS1, BS2

Labcorp Genetics (formerly Invitae), Labcorp
Classification: Uncertain significance. Last evaluated: 2021-01-19. Review status: criteria provided, single submitter. Criteria: Invitae Variant Classification Sherloc (09022015). Collection method: clinical testing. Allele origin: germline.
Comment: This variant, c.546_551del, results in the deletion of 2 amino acid(s) of the ZSWIM6 protein (p.Ala183_Ala184del), but otherwise preserves the integrity of the reading frame. The frequency data for this variant in the population databases is considered unreliable, as metrics indicate insufficient coverage at this position in the ExAC database. This variant has not been reported in the literature in individuals with ZSWIM6-related conditions. Experimental studies and prediction algorithms are not available or were not evaluated, and the functional significance of this variant is currently unknown. In summary, the available evidence is currently insufficient to determine the role of this variant in disease. Therefore, it has been classified as a Variant of Uncertain Significance.

NM_020928.2(ZSWIM6):c.522CGC[8] (p.Ala183_Ala184del)

Gene: ZSWIM6 (zinc finger SWIM-type containing 6; plus strand). Cytogenetic location: 5q12.1.
Variant type: Microsatellite.
Coding change: c.522CGC[8] on transcript NM_020928.2 (MANE Select); eight copies in a row of the 3-base unit CGC starting at c.522; the reference has ten copies in a row; two copies, 6 bases deleted.
Protein change: p.Ala183_Ala184del.
Molecular consequence: inframe deletion.
Genome position (GRCh38, 1-based): chr5:61,332,818-61,332,823, CGCCGC deleted; deleting any 6 consecutive bases within chr5:61,332,792-61,332,823 gives the same sequence; the position shown is the placement nearest the transcript's 3' end. VCF-style (leftmost placement, unchanged base first): chr5-61332791-TGCCGCC-T. GRCh37 (hg19) VCF-style: chr5-60628618-TGCCGCC-T.
Identifiers: ClinVar variation 1988008 (VCV001988008.28), dbSNP rs1262946696, ClinGen allele CA560299906.